The following is an entry in ClinVar:

NM_014314.4(RIGI):c.1798G>T (p.Val600Phe)

Gene: RIGI (RNA sensor RIG-I; minus strand). Cytogenetic location: 9p21.1.
Variant type: single nucleotide variant.
Coding change: c.1798G>T on transcript NM_014314.4 (MANE Select); coding-DNA position 1798, G replaced by T.
Protein change: p.Val600Phe; replaces valine 600 with phenylalanine.
Molecular consequence: missense variant.
Genome position (GRCh38, 1-based): chr9:32,477,108, C>A on the plus strand (G>T on the coding strand, the complement: RIGI is on the minus strand). VCF-style: chr9-32477108-C-A. GRCh37 (hg19) VCF-style: chr9-32477106-C-A.
Other names: c.1792G>T, p.Val598Phe (NM_001385907.1); c.1798G>T, p.Val600Phe (NM_001385909.1); c.1357G>T, p.Val453Phe (NM_001385910.1); c.1189G>T, p.Val397Phe (NM_001385912.1); c.1783G>T, p.Val595Phe (NM_001385913.1); c.1354G>T, p.Val452Phe (NM_001385914.1); short protein forms V452F, V397F, V453F, V595F, V598F, V600F.
Identifiers: ClinVar variation 1450120 (VCV001450120.9), dbSNP rs1823617940, ClinGen allele CA373149437.

ClinVar aggregate classification (germline): Uncertain significance (1 of 4 stars; one submission).

Submission:

Labcorp Genetics (formerly Invitae), Labcorp
Classification: Uncertain significance. Last evaluated: 2025-04-27. Review status: criteria provided, single submitter. Criteria: Invitae Variant Classification Sherloc (09022015). Collection method: clinical testing. Allele origin: germline.
Comment: This sequence change replaces valine, which is neutral and non-polar, with phenylalanine, which is neutral and non-polar, at codon 600 of the DDX58 protein (p.Val600Phe). This variant is not present in population databases (gnomAD no frequency). This variant has not been reported in the literature in individuals affected with DDX58-related conditions. ClinVar contains an entry for this variant (Variation ID: 1450120). Invitae Evidence Modeling of protein sequence and biophysical properties (such as structural, functional, and spatial information, amino acid conservation, physicochemical variation, residue mobility, and thermodynamic stability) indicates that this missense variant is not expected to disrupt DDX58 protein function with a negative predictive value of 80%. In summary, the available evidence is currently insufficient to determine the role of this variant in disease. Therefore, it has been classified as a Variant of Uncertain Significance.